The following is an entry in ClinVar:

NM_000661.5(RPL9):c.430T>A (p.Leu144Ile)

Gene: RPL9 (ribosomal protein L9; minus strand). Cytogenetic location: 4p14.
Variant type: single nucleotide variant.
Coding change: c.430T>A on transcript NM_000661.5 (MANE Select); coding-DNA position 430, T replaced by A.
Protein change: p.Leu144Ile; replaces leucine 144 with isoleucine.
Molecular consequence: missense variant.
Genome position (GRCh38, 1-based): chr4:39,454,906, A>T on the plus strand (T>A on the coding strand, the complement: RPL9 is on the minus strand). VCF-style: chr4-39454906-A-T. GRCh37 (hg19) VCF-style: chr4-39456526-A-T.
Other names: c.430T>A, p.Leu144Ile (NM_001024921.4); short protein forms L144I.
Identifiers: ClinVar variation 3709645 (VCV003709645.2).

ClinVar aggregate classification (germline): Uncertain significance (1 of 4 stars; one submission).

gnomAD v4.1: 10 of 1,614,044 alleles (0.00062%); highest among the groups gnomAD compares: East Asian, 0.022%; no homozygotes.

Submission:

Labcorp Genetics (formerly Invitae), Labcorp
Classification: Uncertain significance. Last evaluated: 2025-11-04. Review status: criteria provided, single submitter. Criteria: Invitae Variant Classification Sherloc (09022015). Collection method: clinical testing. Allele origin: germline.
Comment: This sequence change replaces leucine, which is neutral and non-polar, with isoleucine, which is neutral and non-polar, at codon 144 of the RPL9 protein (p.Leu144Ile). This variant is present in population databases (no rsID available, gnomAD 0.02%). This variant has not been reported in the literature in individuals affected with RPL9-related conditions. ClinVar contains an entry for this variant (Variation ID: 3709645). An algorithm developed to predict the effect of missense changes on protein structure and function (PolyPhen-2) suggests that this variant is likely to be disruptive. In summary, the available evidence is currently insufficient to determine the role of this variant in disease. Therefore, it has been classified as a Variant of Uncertain Significance.